The following is an entry in ClinVar:

NM_006031.6(PCNT):c.724G>A (p.Val242Met)

Gene: PCNT (pericentrin; plus strand). Cytogenetic location: 21q22.3.
Variant type: single nucleotide variant.
Coding change: c.724G>A on transcript NM_006031.6 (MANE Select); coding-DNA position 724, G replaced by A.
Protein change: p.Val242Met; replaces valine 242 with methionine.
Molecular consequence: missense variant.
Genome position (GRCh38, 1-based): chr21:46,346,746, G>A. VCF-style: chr21-46346746-G-A. GRCh37 (hg19) VCF-style: chr21-47766660-G-A.
Other names: c.370G>A, p.Val124Met (NM_001315529.2); short protein forms V242M, V124M.
Identifiers: ClinVar variation 436176 (VCV000436176.17), dbSNP rs147931950, ClinGen allele CA10078401.

ClinVar aggregate classification (germline): Likely benign. Review status: criteria provided, multiple submitters, no conflicts (2 of 4 stars). 4 submissions from 4 submitters: Likely benign (3). 1 of the submissions does not count toward it. Last evaluated 2025-08-29.

Conditions:
PCNT-related disorder. Also called: PCNT-related condition.

Allele frequency attached by ClinVar (database versions not stated): gnomAD exomes 0.00014 and 0.00034; ExAC 0.00062; gnomAD 0.00109 and 0.00115; TOPMed 0.00119; 1000 Genomes Project 0.00120; ESP Exome Variant Server 0.00123; 1000 Genomes Project 30x 0.00125.
gnomAD v4.1: 368 of 1,596,858 alleles (0.023%); highest among the groups gnomAD compares: African/African-American, 0.4%; 3 homozygotes.

Submissions (4):

Labcorp Genetics (formerly Invitae), Labcorp
Classification: Likely benign. Last evaluated: 2025-08-29. Review status: criteria provided, single submitter. Criteria: Invitae Variant Classification Sherloc (09022015). Collection method: clinical testing. Allele origin: germline.

GeneDx
Classification: Likely benign. Last evaluated: 2017-08-04. Review status: criteria provided, single submitter. Criteria: GeneDx Variant Classification (06012015). Collection method: clinical testing. Allele origin: germline. Affected: yes.
Comment: This variant is considered likely benign or benign based on one or more of the following criteria: it is a conservative change, it occurs at a poorly conserved position in the protein, it is predicted to be benign by multiple in silico algorithms, and/or has population frequency not consistent with disease.

Genetic Services Laboratory, University of Chicago
Classification: Likely benign. Last evaluated: 2017-04-14. Review status: criteria provided, single submitter. Criteria: ACMG Guidelines, 2015. Collection method: clinical testing. Allele origin: germline. Affected: no.

PreventionGenetics, part of Exact Sciences
Classification: Likely benign for PCNT-related condition. Last evaluated: 2021-06-08. Review status: no assertion criteria provided. Collection method: clinical testing. Allele origin: germline. Not counted in ClinVar's aggregate classification.
Comment: This variant is classified as likely benign based on ACMG/AMP sequence variant interpretation guidelines (Richards et al. 2015 PMID: 25741868, with internal and published modifications).